The following is an entry in ClinVar:

NM_000051.4(ATM):c.8726G>C (p.Arg2909Thr)

Genes: ATM (ATM serine/threonine kinase; plus strand), C11orf65 (chromosome 11 open reading frame 65; minus strand). Cytogenetic location: 11q22.3.
Variant type: single nucleotide variant.
Coding change: c.8726G>C on transcript NM_000051.4 (MANE Select); coding-DNA position 8726, G replaced by C.
Protein change: p.Arg2909Thr; replaces arginine 2909 with threonine.
Molecular consequence: missense variant. On other transcripts: intron variant (2).
Genome position (GRCh38, 1-based): chr11:108,353,820, G>C. VCF-style: chr11-108353820-G-C. GRCh37 (hg19) VCF-style: chr11-108224547-G-C.
Other names: c.8726G>C, p.Arg2909Thr (NM_001351834.2); c.640+32100C>G (NM_001330368.2); c.695-18528C>G (NM_001351110.2); short protein forms R2909T.
Identifiers: ClinVar variation 4709882 (VCV004709882.2).

ClinVar aggregate classification (germline): Likely pathogenic. Review status: criteria provided, multiple submitters, no conflicts (2 of 4 stars). 2 submissions from 2 submitters: Likely pathogenic (2). Last evaluated 2026-07-30.

Conditions:
Familial cancer of breast. Also called: BREAST CANCER, FAMILIAL; Hereditary breast cancer; hereditary breast carcinoma. Identifiers: Orphanet 227535, MedGen C0346153, MONDO:0016419, OMIM 114480. Disease mechanism: loss of function.
Ataxia-telangiectasia syndrome (AT). Also called: Ataxia-telangiectasia, complementation group D; AT, COMPLEMENTATION GROUP C; ATAXIA-TELANGIECTASIA, COMPLEMENTATION GROUP A; ATAXIA-TELANGIECTASIA, FRESNO VARIANT; Ataxia-telangiectasia; Ataxia-telangiectasia, complementation group E. Identifiers: Orphanet 100, MedGen C0004135, MONDO:0008840, OMIM 208900.

Submissions (2):

Myriad Genetics, Inc.
Classification: Likely pathogenic for Familial cancer of breast. Last evaluated: 2026-07-30. Review status: criteria provided, single submitter. Criteria: Myriad Autosomal Dominant, Autosomal Recessive and X-Linked Classification Criteria (2023). Collection method: clinical testing. Allele origin: unknown.
Comment: This variant is considered likely pathogenic. This variant has been reported in an individual with clinical features of gene-specific disease [PMID: 15039971]. This variant is expected to disrupt protein structure [Myriad internal data]. Functional studies indicate this variant impacts protein function [PMID: 40580951].

Labcorp Genetics (formerly Invitae), Labcorp
Classification: Likely pathogenic for Ataxia-telangiectasia syndrome. Last evaluated: 2025-05-13. Review status: criteria provided, single submitter. Criteria: Invitae Variant Classification Sherloc (09022015). Collection method: clinical testing. Allele origin: germline.
Comment: This sequence change replaces arginine, which is basic and polar, with threonine, which is neutral and polar, at codon 2909 of the ATM protein (p.Arg2909Thr). This variant is not present in population databases (gnomAD no frequency). This missense change has been observed in individual(s) with ataxia-telangiectasia (PMID: 15039971). In at least one individual the data is consistent with being in trans (on the opposite chromosome) from a pathogenic variant. Invitae Evidence Modeling of protein sequence and biophysical properties (such as structural, functional, and spatial information, amino acid conservation, physicochemical variation, residue mobility, and thermodynamic stability) indicates that this missense variant is expected to disrupt ATM protein function with a positive predictive value of 95%. In summary, the currently available evidence indicates that the variant is pathogenic, but additional data are needed to prove that conclusively. Therefore, this variant has been classified as Likely Pathogenic.

Literature cited by the submitters: PubMed 15039971 (cited by Myriad Genetics, Inc. and Labcorp Genetics (formerly Invitae), Labcorp); PubMed 40580951 (cited by Myriad Genetics, Inc.).